The following is an entry in ClinVar:

NM_005219.5(DIAPH1):c.3584A>C (p.Glu1195Ala)

Gene: DIAPH1 (diaphanous related formin 1; minus strand). Cytogenetic location: 5q31.3.
Variant type: single nucleotide variant.
Coding change: c.3584A>C on transcript NM_005219.5 (MANE Select); coding-DNA position 3584, A replaced by C.
Protein change: p.Glu1195Ala; replaces glutamic acid 1195 with alanine.
Molecular consequence: missense variant.
Genome position (GRCh38, 1-based): chr5:141,524,220, T>G on the plus strand (A>C on the coding strand, the complement: DIAPH1 is on the minus strand). VCF-style: chr5-141524220-T-G. GRCh37 (hg19) VCF-style: chr5-140903787-T-G.
Other names: c.3557A>C, p.Glu1186Ala (NM_001079812.3); c.3584A>C, p.Glu1195Ala (NM_001314007.2); short protein forms E1186A, E1195A.
Identifiers: ClinVar variation 4784319 (VCV004784319.1).

ClinVar aggregate classification (germline): Uncertain significance (1 of 4 stars; one submission).

Conditions:
Autosomal dominant nonsyndromic hearing loss 1. Also called: KONIGSMARK SYNDROME; DEAFNESS, AUTOSOMAL DOMINANT 1, WITH OR WITHOUT THROMBOCYTOPENIA. Identifiers: Orphanet 90635, MedGen C1852282, MONDO:0007424, OMIM 124900.
Progressive microcephaly-seizures-cortical blindness-developmental delay syndrome. Also called: Seizures, cortical blindness, and microcephaly syndrome. Identifiers: Orphanet 477814, MedGen C5567650, MONDO:0014714, OMIM 616632.

Submission:

Labcorp Genetics (formerly Invitae), Labcorp
Classification: Uncertain significance for Progressive microcephaly-seizures-cortical blindness-developmental delay syndrome; Autosomal dominant nonsyndromic hearing loss 1. Last evaluated: 2025-03-03. Review status: criteria provided, single submitter. Criteria: Invitae Variant Classification Sherloc (09022015). Collection method: clinical testing. Allele origin: germline.
Comment: This sequence change replaces glutamic acid, which is acidic and polar, with alanine, which is neutral and non-polar, at codon 1195 of the DIAPH1 protein (p.Glu1195Ala). This variant is not present in population databases (gnomAD no frequency). This variant has not been reported in the literature in individuals affected with DIAPH1-related conditions. An algorithm developed to predict the effect of missense changes on protein structure and function (PolyPhen-2) suggests that this variant is likely to be disruptive. In summary, the available evidence is currently insufficient to determine the role of this variant in disease. Therefore, it has been classified as a Variant of Uncertain Significance.